The following is an entry in ClinVar:

NC_000007.13:g.(?_151859182)_(152132871_?)dup

Gene: KMT2C (lysine methyltransferase 2C; minus strand). Cytogenetic location: 7q36.1.
Variant type: Duplication.
Identifiers: ClinVar variation 3245937 (VCV003245937.1).

ClinVar aggregate classification (germline): Uncertain significance (1 of 4 stars; one submission).

Submission:

Labcorp Genetics (formerly Invitae), Labcorp
Classification: Uncertain significance. Last evaluated: 2023-12-11. Review status: criteria provided, single submitter. Criteria: Invitae Variant Classification Sherloc (09022015). Collection method: clinical testing. Allele origin: unknown.
Comment: This variant results in a copy number gain of the genomic region encompassing exon(s) 1-43 of the KMT2C gene. This region includes the initiator codon of the gene. This copy number gain extends beyond the assayed region for this gene and therefore may encompass additional genes. As the precise location of this event is unknown, it may be in tandem or it may be located elsewhere in the genome. This variant has not been reported in the literature in individuals affected with KMT2C-related conditions. In summary, the available evidence is currently insufficient to determine the role of this variant in disease. Therefore, it has been classified as a Variant of Uncertain Significance.